The following is an entry in ClinVar:

ClinVar aggregate classification (germline): Uncertain significance. Review status: criteria provided, multiple submitters, no conflicts (2 of 4 stars). 5 submissions from 5 submitters: Uncertain significance (4). 1 of the submissions does not count toward it. Last evaluated 2025-02-03.

Conditions:
PRPH2-related disorder. Also called: PRPH2-related condition; PRPH2-related disorders. Identifiers: MedGen CN239395.
Retinal dystrophy. Also called: Inherited retinal dystrophy. Identifiers: Orphanet 71862, MedGen C0854723, MeSH D058499, MONDO:0019118, HP:0000556.

gnomAD v4.1: 2 of 1,609,394 alleles (0.00012%); highest among the groups gnomAD compares: East Asian, 0.0022%; no homozygotes.

Submissions (5):

Labcorp Genetics (formerly Invitae), Labcorp
Classification: Uncertain significance for PRPH2-related disorder. Last evaluated: 2025-02-03. Review status: criteria provided, single submitter. Criteria: Invitae Variant Classification Sherloc (09022015). Collection method: clinical testing. Allele origin: germline.
Comment: This sequence change replaces threonine, which is neutral and polar, with arginine, which is basic and polar, at codon 269 of the PRPH2 protein (p.Thr269Arg). This variant is present in population databases (rs781212034, gnomAD 0.01%). This missense change has been observed in individual(s) with clinical features of retinal dystrophy and/or PRPH2-related conditions (PMID: 31213501; internal data). ClinVar contains an entry for this variant (Variation ID: 942581). Invitae Evidence Modeling of protein sequence and biophysical properties (such as structural, functional, and spatial information, amino acid conservation, physicochemical variation, residue mobility, and thermodynamic stability) indicates that this missense variant is not expected to disrupt PRPH2 protein function with a negative predictive value of 95%. In summary, the available evidence is currently insufficient to determine the role of this variant in disease. Therefore, it has been classified as a Variant of Uncertain Significance.

Dept Of Ophthalmology, Nagoya University
Classification: Uncertain significance for Retinal dystrophy. Last evaluated: 2023-10-01. Review status: criteria provided, single submitter. Criteria: Submitter's publication. Collection method: research. Allele origin: germline. Affected: yes.

Blueprint Genetics
Classification: Uncertain significance. Last evaluated: 2020-10-07. Review status: criteria provided, single submitter. Criteria: ACMG Guidelines, 2015. Collection method: clinical testing. Allele origin: germline.

GeneDx
Classification: Uncertain significance. Last evaluated: 2020-02-24. Review status: criteria provided, single submitter. Criteria: GeneDx Variant Classification Process June 2021. Collection method: clinical testing. Allele origin: germline. Affected: yes.
Comment: In silico analysis supports that this missense variant does not alter protein structure/function; Has not been previously published as pathogenic or benign to our knowledge

Leiden Open Variation Database
Classification: Uncertain significance. Last evaluated: 2019-07-24. Review status: no assertion criteria provided. Collection method: curation. Allele origin: germline. Affected: yes. Not counted in ClinVar's aggregate classification.
Comment: Curator: Global Variome, with Curator vacancy. Submitter to LOVD: Yoshito Koyanagi.

Literature cited by the submitters: PubMed 31213501 (cited by Labcorp Genetics (formerly Invitae), Labcorp and Leiden Open Variation Database).

NM_000322.5(PRPH2):c.806C>G (p.Thr269Arg)

Gene: PRPH2 (peripherin 2; minus strand). Cytogenetic location: 6p21.1.
Variant type: single nucleotide variant.
Coding change: c.806C>G on transcript NM_000322.5 (MANE Select); coding-DNA position 806, C replaced by G.
Protein change: p.Thr269Arg; replaces threonine 269 with arginine.
Molecular consequence: missense variant.
Genome position (GRCh38, 1-based): chr6:42,704,387, G>C on the plus strand (C>G on the coding strand, the complement: PRPH2 is on the minus strand). VCF-style: chr6-42704387-G-C. GRCh37 (hg19) VCF-style: chr6-42672125-G-C.
Other names: short protein forms T269R.
Identifiers: ClinVar variation 942581 (VCV000942581.14), dbSNP rs781212034, ClinGen allele CA3808532.